The following is an entry in ClinVar:

ClinVar aggregate classification (germline): Uncertain significance (1 of 4 stars; one submission).

gnomAD v4.1: 1 of 1,206,102 alleles (0.000083%); highest among the groups gnomAD compares: Non-Finnish European, 0.00011%; no homozygotes.

Submission:

Greenwood Genetic Center Diagnostic Laboratories, Greenwood Genetic Center
Classification: Uncertain significance. Last evaluated: 2024-05-31. Review status: criteria provided, single submitter. Criteria: ACMG Guidelines, 2015. Collection method: clinical testing. Allele origin: germline. Affected: yes.
Comment: PM1, PM2, PP2

NM_001367721.1(CASK):c.743G>T (p.Ser248Ile)

Gene: CASK (calcium/calmodulin dependent serine protein kinase; minus strand). Cytogenetic location: Xp11.4.
Variant type: single nucleotide variant.
Coding change: c.743G>T on transcript NM_001367721.1 (MANE Select); coding-DNA position 743, G replaced by T.
Protein change: p.Ser248Ile; replaces serine 248 with isoleucine.
Molecular consequence: missense variant.
Genome position (GRCh38, 1-based): chrX:41,660,527, C>A on the plus strand (G>T on the coding strand, the complement: CASK is on the minus strand). VCF-style: chrX-41660527-C-A. GRCh37 (hg19) VCF-style: chrX-41519780-C-A.
Other names: c.743G>T, p.Ser248Ile (NM_001126054.3, NM_001126055.3, NM_001410745.1 and 1 more transcripts); short protein forms S248I.
Identifiers: ClinVar variation 3338540 (VCV003338540.1).
Genomic context (GRCh38, chrX:41,660,527, plus strand): 5'-TAAACAGTGATCCTTTCAGCTGGATCCAGCATCAGCATGCGACGTACTAGGTCTTTGGCA[C>A]TTTCAGAGATATGGCTCCACTGCCTTGGATTCATCTGAGGAGGAGGAAAGGAAAACTACA-3'
Protein context (NP_001354650.1, residues 238-258): NPRQWSHISE[Ser248Ile]AKDLVRRMLM